The following is an entry in ClinVar:

ClinVar aggregate classification (germline): Conflicting classifications of pathogenicity. Review status: criteria provided, conflicting classifications (1 of 4 stars). 5 submissions from 5 submitters: Uncertain significance (4); Likely benign (1). Last evaluated 2025-12-23.

Conditions:
Rubinstein-Taybi syndrome (RSTS). Identifiers: Orphanet 783, MedGen C0035934, MONDO:0019188.
CREBBP-related disorder. Also called: CREBBP-related disorders; CREBBP-related condition.
Menke-Hennekam syndrome 1 (MKHK1). Identifiers: MedGen C5193034, MONDO:0020763, OMIM 618332.
Rubinstein-Taybi syndrome due to CREBBP mutations (RSTS1). Also called: Rubinstein-Taybi syndrome 1; RUBINSTEIN-TAYBI SYNDROME 1, INCOMPLETE; BROAD THUMBS AND GREAT TOES, CHARACTERISTIC FACIES, AND IMPAIRED INTELLECTUAL DEVELOPMENT; BROAD THUMB-HALLUX SYNDROME; CREBBP-Related Rubinstein-Taybi Syndrome; RUBINSTEIN SYNDROME. Identifiers: Orphanet 353277, Orphanet 783, MedGen C4551859, MONDO:0008393, OMIM 180849.

Allele frequency attached by ClinVar (database versions not stated): gnomAD exomes 0.00003; TOPMed 0.00003.
gnomAD v4.1: 15 of 1,548,812 alleles (0.00097%); highest among the groups gnomAD compares: East Asian, 0.0024%; no homozygotes.

Submissions (5):

PreventionGenetics, part of Exact Sciences
Classification: Uncertain significance for CREBBP-related condition. Last evaluated: 2025-12-23. Review status: criteria provided, single submitter. Criteria: ACMG Guidelines, 2015. Collection method: clinical testing. Allele origin: germline.
Comment: The CREBBP c.5740G>A variant is predicted to result in the amino acid substitution p.Val1914Met. To our knowledge, this variant has not been reported in the literature. This variant is reported in 0.0081% of alleles in individuals of East Asian descent in gnomAD. At this time, the clinical significance of this variant is uncertain due to the absence of conclusive functional and genetic evidence.

Dasa
Classification: Uncertain significance. Last evaluated: 2025-12-04. Review status: criteria provided, single submitter. Criteria: DASA Assertion Criteria. Collection method: clinical testing. Allele origin: germline.
Comment: NM_004380.3(CREBBP):c.5740G>A (p.Val1914Met) is a missense variant that results in the substitution of valine with methionine. This variant is rare in population databases. The currently available literature and clinical evidence are not sufficient to establish a definitive association between this variant and the reported condition. Therefore, this variant is classified as a variant of uncertain significance.

Labcorp Genetics (formerly Invitae), Labcorp
Classification: Likely benign for Rubinstein-Taybi syndrome. Last evaluated: 2025-04-17. Review status: criteria provided, single submitter. Criteria: Invitae Variant Classification Sherloc (09022015). Collection method: clinical testing. Allele origin: germline.

Fulgent Genetics
Classification: Uncertain significance for Rubinstein-Taybi syndrome due to CREBBP mutations; Menke-Hennekam syndrome 1. Last evaluated: 2022-03-11. Review status: criteria provided, single submitter. Criteria: ACMG Guidelines, 2015. Collection method: clinical testing. Allele origin: unknown.

Genomic Research Center, Shahid Beheshti University of Medical Sciences
Classification: Uncertain significance for Rubinstein-Taybi syndrome. Last evaluated: 2018-08-07. Review status: criteria provided, single submitter. Criteria: ACMG Guidelines, 2015. Collection method: clinical testing. Allele origin: unknown. Affected: yes. Observed: 1 variant allele.

NM_004380.3(CREBBP):c.5740G>A (p.Val1914Met)

Gene: CREBBP (CREB binding lysine acetyltransferase; minus strand). Cytogenetic location: 16p13.3.
Variant type: single nucleotide variant.
Coding change: c.5740G>A on transcript NM_004380.3 (MANE Select); coding-DNA position 5740, G replaced by A.
Protein change: p.Val1914Met; replaces valine 1914 with methionine.
Molecular consequence: missense variant.
Genome position (GRCh38, 1-based): chr16:3,729,307, C>T on the plus strand (G>A on the coding strand, the complement: CREBBP is on the minus strand). VCF-style: chr16-3729307-C-T. GRCh37 (hg19) VCF-style: chr16-3779308-C-T.
Other names: c.5626G>A, p.Val1876Met (NM_001079846.1); short protein forms V1914M, V1876M.
Identifiers: ClinVar variation 587612 (VCV000587612.12), dbSNP rs760771706, ClinGen allele CA7869250.